The following is an entry in ClinVar:

NM_000051.4(ATM):c.5891A>G (p.Lys1964Arg)

Genes: ATM (ATM serine/threonine kinase; plus strand), C11orf65 (chromosome 11 open reading frame 65; minus strand). Cytogenetic location: 11q22.3.
Variant type: single nucleotide variant.
Coding change: c.5891A>G on transcript NM_000051.4 (MANE Select); coding-DNA position 5891, A replaced by G.
Protein change: p.Lys1964Arg; replaces lysine 1964 with arginine.
Molecular consequence: missense variant. On other transcripts: intron variant (2).
Genome position (GRCh38, 1-based): chr11:108,310,288, A>G. VCF-style: chr11-108310288-A-G. GRCh37 (hg19) VCF-style: chr11-108181015-A-G.
Other names: c.5891A>G, p.Lys1964Arg (NM_001351834.2); c.641-1217T>C (NM_001330368.2); c.*39-1217T>C (NM_001351110.2); short protein forms K1964R.
Identifiers: ClinVar variation 453601 (VCV000453601.14), dbSNP rs1555110503, ClinGen allele CA382548546.

ClinVar aggregate classification (germline): Uncertain significance. Review status: criteria provided, multiple submitters, no conflicts (2 of 4 stars). 4 submissions from 4 submitters: Uncertain significance (4). Last evaluated 2024-11-05.

Conditions:
Hereditary cancer-predisposing syndrome. Also called: Neoplastic Syndromes, Hereditary; Hereditary Cancer Syndrome; Tumor predisposition; Hereditary neoplastic syndrome. Identifiers: Orphanet 140162, MedGen C0027672, MeSH D009386, MONDO:0015356.
Ataxia-telangiectasia syndrome (AT). Also called: LOUIS-BAR SYNDROME; Cerebello-oculocutaneous telangiectasia; Immunodeficiency with ataxia telangiectasia; Ataxia-telangiectasia, complementation group D; AT, COMPLEMENTATION GROUP C; Ataxia-telangiectasia, complementation group E. Identifiers: Orphanet 100, MedGen C0004135, MONDO:0008840, OMIM 208900.

Submissions (4):

Quest Diagnostics Nichols Institute San Juan Capistrano
Classification: Uncertain significance. Last evaluated: 2024-11-05. Review status: criteria provided, single submitter. Criteria: Quest Diagnostics criteria. Collection method: clinical testing. Allele origin: unknown.
Comment: The ATM c.5891A>G (p.Lys1964Arg) variant has not been reported as a germline variant in individuals with ATM-related conditions in the published literature. It also has not been reported in large, multi-ethnic general populations (Genome Aggregation Database). Analysis of this variant using bioinformatics tools for the prediction of the effect of amino acid changes on protein structure and function yielded predictions that this variant is benign. Based on the available information, we are unable to determine the clinical significance of this variant.

Labcorp Genetics (formerly Invitae), Labcorp
Classification: Uncertain significance for Ataxia-telangiectasia syndrome. Last evaluated: 2024-09-25. Review status: criteria provided, single submitter. Criteria: Invitae Variant Classification Sherloc (09022015). Collection method: clinical testing. Allele origin: germline.
Comment: This sequence change replaces lysine, which is basic and polar, with arginine, which is basic and polar, at codon 1964 of the ATM protein (p.Lys1964Arg). This variant is not present in population databases (gnomAD no frequency). This variant has not been reported in the literature in individuals affected with ATM-related conditions. ClinVar contains an entry for this variant (Variation ID: 453601). An algorithm developed to predict the effect of missense changes on protein structure and function outputs the following: PolyPhen-2: "Benign". The arginine amino acid residue is found in multiple mammalian species, which suggests that this missense change does not adversely affect protein function. In summary, the available evidence is currently insufficient to determine the role of this variant in disease. Therefore, it has been classified as a Variant of Uncertain Significance.

Ambry Genetics
Classification: Uncertain significance for Hereditary cancer-predisposing syndrome. Last evaluated: 2024-05-16. Review status: criteria provided, single submitter. Criteria: Ambry Variant Classification Scheme 2023. Collection method: clinical testing. Allele origin: germline.
Comment: The p.K1964R variant (also known as c.5891A>G), located in coding exon 38 of the ATM gene, results from an A to G substitution at nucleotide position 5891. The lysine at codon 1964 is replaced by arginine, an amino acid with highly similar properties. This amino acid position is not well conserved in available vertebrate species. In addition, this alteration is predicted to be tolerated by in silico analysis. Since supporting evidence is limited at this time, the clinical significance of this alteration remains unclear.

GeneDx
Classification: Uncertain significance. Last evaluated: 2023-06-29. Review status: criteria provided, single submitter. Criteria: GeneDx Variant Classification Process June 2021. Collection method: clinical testing. Allele origin: germline. Affected: yes.
Comment: Not observed at significant frequency in large population cohorts (gnomAD); In silico analysis supports that this missense variant does not alter protein structure/function; Has not been previously published as pathogenic or benign to our knowledge; This variant is associated with the following publications: (PMID: 23532176)